The following is an entry in ClinVar:

ClinVar aggregate classification (germline): Uncertain significance. Review status: criteria provided, multiple submitters, no conflicts (2 of 4 stars). 3 submissions from 3 submitters: Uncertain significance (3). Last evaluated 2026-04-30.

Conditions:
Inborn genetic diseases. Identifiers: MedGen C0950123, MeSH D030342.

gnomAD v4.1: 1 of 1,613,844 alleles (0.000062%); highest among the groups gnomAD compares: African/African-American, 0.0013%; no homozygotes.

Submissions (3):

Ambry Genetics
Classification: Uncertain significance for Inborn genetic diseases. Last evaluated: 2026-04-30. Review status: criteria provided, single submitter. Criteria: Ambry Variant Classification Scheme 2023. Collection method: clinical testing. Allele origin: germline.

Revvity Omics, Revvity
Classification: Uncertain significance. Last evaluated: 2022-08-30. Review status: criteria provided, single submitter. Criteria: ACMG Guidelines, 2015. Collection method: clinical testing. Allele origin: germline.

Labcorp Genetics (formerly Invitae), Labcorp
Classification: Uncertain significance. Last evaluated: 2022-07-12. Review status: criteria provided, single submitter. Criteria: Invitae Variant Classification Sherloc (09022015). Collection method: clinical testing. Allele origin: germline.
Comment: Advanced modeling of protein sequence and biophysical properties (such as structural, functional, and spatial information, amino acid conservation, physicochemical variation, residue mobility, and thermodynamic stability) performed at Invitae indicates that this missense variant is not expected to disrupt COL4A1 protein function. In summary, the available evidence is currently insufficient to determine the role of this variant in disease. Therefore, it has been classified as a Variant of Uncertain Significance. This variant has not been reported in the literature in individuals affected with COL4A1-related conditions. This variant is not present in population databases (gnomAD no frequency). This sequence change replaces lysine, which is basic and polar, with arginine, which is basic and polar, at codon 543 of the COL4A1 protein (p.Lys543Arg).

NM_001845.6(COL4A1):c.1628A>G (p.Lys543Arg)

Gene: COL4A1 (collagen type IV alpha 1 chain; minus strand). Cytogenetic location: 13q34.
Variant type: single nucleotide variant.
Coding change: c.1628A>G on transcript NM_001845.6 (MANE Select); coding-DNA position 1628, A replaced by G.
Protein change: p.Lys543Arg; replaces lysine 543 with arginine.
Molecular consequence: missense variant.
Genome position (GRCh38, 1-based): chr13:110,187,238, T>C on the plus strand (A>G on the coding strand, the complement: COL4A1 is on the minus strand). VCF-style: chr13-110187238-T-C. GRCh37 (hg19) VCF-style: chr13-110839585-T-C.
Other names: c.1628A>G (NM_001845.4); short protein forms K543R.
Identifiers: ClinVar variation 2159857 (VCV002159857.8), dbSNP rs2501800682, ClinGen allele CA388723051.